The following is an entry in ClinVar:

ClinVar aggregate classification (germline): Conflicting classifications of pathogenicity. Review status: criteria provided, conflicting classifications (1 of 4 stars). 4 submissions from 4 submitters: Uncertain significance (2); Likely benign (2). Last evaluated 2025-09-08.

Conditions:
TUBB1-related disorder. Also called: TUBB1-related condition.
Macrothrombocytopenia, isolated, 1, autosomal dominant (MACTHC1). Also called: Autosomal dominant macrothrombocytopenia TUBB1-related. Identifiers: Orphanet 140957, MedGen C5676892, MONDO:0800047, OMIM 613112.

Allele frequency attached by ClinVar (database versions not stated): gnomAD exomes 0.00006 and 0.00016; ExAC 0.00009; gnomAD 0.00022 and 0.00023; ESP Exome Variant Server 0.00023; TOPMed 0.00025; 1000 Genomes Project 30x 0.00031; 1000 Genomes Project 0.00040.
gnomAD v4.1: 117 of 1,614,202 alleles (0.0072%); highest among the groups gnomAD compares: East Asian, 0.071%; no homozygotes.

Submissions (4):

PreventionGenetics, part of Exact Sciences
Classification: Likely benign for TUBB1-related condition. Last evaluated: 2025-09-08. Review status: criteria provided, single submitter. Criteria: ACMG Guidelines, 2015. Collection method: clinical testing. Allele origin: germline.
Comment: This variant is classified as likely benign based on ACMG/AMP sequence variant interpretation guidelines (Richards et al. 2015 PMID: 25741868, with internal and published modifications).

Labcorp Genetics (formerly Invitae), Labcorp
Classification: Likely benign. Last evaluated: 2025-04-28. Review status: criteria provided, single submitter. Criteria: Invitae Variant Classification Sherloc (09022015). Collection method: clinical testing. Allele origin: germline.

GeneDx
Classification: Uncertain significance. Last evaluated: 2022-08-05. Review status: criteria provided, single submitter. Criteria: GeneDx Variant Classification Process June 2021. Collection method: clinical testing. Allele origin: germline. Affected: yes.
Comment: In silico analysis supports that this missense variant has a deleterious effect on protein structure/function; Has not been previously published as pathogenic or benign to our knowledge

Genetics and Molecular Pathology, SA Pathology
Classification: Uncertain significance for Macrothrombocytopenia, isolated, 1, autosomal dominant. Last evaluated: 2019-11-12. Review status: criteria provided, single submitter. Criteria: ACMG Guidelines, 2015. Collection method: clinical testing. Allele origin: germline. Affected: yes.

NM_030773.4(TUBB1):c.578T>C (p.Ile193Thr)

Gene: TUBB1 (tubulin beta 1 class VI; plus strand). Cytogenetic location: 20q13.32.
Variant type: single nucleotide variant.
Coding change: c.578T>C on transcript NM_030773.4 (MANE Select); coding-DNA position 578, T replaced by C.
Protein change: p.Ile193Thr; replaces isoleucine 193 with threonine.
Molecular consequence: missense variant.
Genome position (GRCh38, 1-based): chr20:59,024,005, T>C. VCF-style: chr20-59024005-T-C. GRCh37 (hg19) VCF-style: chr20-57599060-T-C.
Other names: short protein forms I193T.
Identifiers: ClinVar variation 1698752 (VCV001698752.11), dbSNP rs141698221, ClinGen allele CA9928538.